The following is an entry in ClinVar:

NM_001286176.2(C2CD5):c.220G>A (p.Val74Ile)

Gene: C2CD5 (C2 calcium dependent domain containing 5; minus strand). Cytogenetic location: 12p12.1.
Variant type: single nucleotide variant.
Coding change: c.220G>A on transcript NM_001286176.2 (MANE Select); coding-DNA position 220, G replaced by A.
Protein change: p.Val74Ile; replaces valine 74 with isoleucine.
Molecular consequence: missense variant. On other transcripts: 5 prime UTR variant (3), non-coding transcript variant (1).
Genome position (GRCh38, 1-based): chr12:22,527,850, C>T on the plus strand (G>A on the coding strand, the complement: C2CD5 is on the minus strand). VCF-style: chr12-22527850-C-T. GRCh37 (hg19) VCF-style: chr12-22680784-C-T.
Other names: c.220G>A, p.Val74Ile (NM_001286173.2, NM_001286174.3, NM_001286175.2 and 9 more transcripts); c.133G>A, p.Val45Ile (NM_001385329.1, NM_001385330.1); c.-611G>A (NM_001385331.1, NM_001385333.1); c.-1108G>A (NM_001385332.1); short protein forms V45I, V74I.
Identifiers: ClinVar variation 4891107 (VCV004891107.1).

ClinVar aggregate classification (germline): Uncertain significance (1 of 4 stars; one submission).

Submission:

Greenwood Genetic Center Diagnostic Laboratories, Greenwood Genetic Center
Classification: Uncertain significance. Last evaluated: 2026-05-28. Review status: criteria provided, single submitter. Criteria: ACMG Guidelines, 2015. Collection method: clinical testing. Allele origin: germline.
Comment: Gene of Uncertain Significance